The following is an entry in ClinVar:

ClinVar aggregate classification (germline): Uncertain significance. Review status: criteria provided, multiple submitters, no conflicts (2 of 4 stars). 3 submissions from 3 submitters: Uncertain significance (3). Last evaluated 2022-06-15.

Conditions:
Inborn genetic diseases. Identifiers: MedGen C0950123, MeSH D030342.
Congenital myasthenic syndrome 5. Identifiers: Orphanet 590, MedGen C1864233, MONDO:0011281, OMIM 603034.

Allele frequency attached by ClinVar (database versions not stated): gnomAD 0.00001; TOPMed 0.00002.

Submissions (3):

Labcorp Genetics (formerly Invitae), Labcorp
Classification: Uncertain significance for Congenital myasthenic syndrome 5. Last evaluated: 2022-06-15. Review status: criteria provided, single submitter. Criteria: Invitae Variant Classification Sherloc (09022015). Collection method: clinical testing. Allele origin: germline.
Comment: This sequence change replaces proline, which is neutral and non-polar, with leucine, which is neutral and non-polar, at codon 314 of the COLQ protein (p.Pro314Leu). This variant is not present in population databases (gnomAD no frequency). This variant has not been reported in the literature in individuals affected with COLQ-related conditions. ClinVar contains an entry for this variant (Variation ID: 1314484). Algorithms developed to predict the effect of missense changes on protein structure and function output the following: SIFT: "Deleterious"; PolyPhen-2: "Not Available"; Align-GVGD: "Class C0". The leucine amino acid residue is found in multiple mammalian species, which suggests that this missense change does not adversely affect protein function. In summary, the available evidence is currently insufficient to determine the role of this variant in disease. Therefore, it has been classified as a Variant of Uncertain Significance.

Ambry Genetics
Classification: Uncertain significance for Inborn genetic diseases. Last evaluated: 2021-08-23. Review status: criteria provided, single submitter. Criteria: Ambry Variant Classification Scheme 2023. Collection method: clinical testing. Allele origin: germline.

GeneDx
Classification: Uncertain significance. Last evaluated: 2020-02-16. Review status: criteria provided, single submitter. Criteria: GeneDx Variant Classification Process June 2021. Collection method: clinical testing. Allele origin: germline. Affected: yes.
Comment: Not observed in large population cohorts (Lek et al., 2016); In silico analysis supports that this missense variant has a deleterious effect on protein structure/function; Has not been previously published as pathogenic or benign to our knowledge

NM_005677.4(COLQ):c.941C>T (p.Pro314Leu)

Gene: COLQ (collagen like tail subunit of asymmetric acetylcholinesterase; minus strand). Cytogenetic location: 3p25.1.
Variant type: single nucleotide variant.
Coding change: c.941C>T on transcript NM_005677.4 (MANE Select); coding-DNA position 941, C replaced by T.
Protein change: p.Pro314Leu; replaces proline 314 with leucine.
Molecular consequence: missense variant.
Genome position (GRCh38, 1-based): chr3:15,458,199, G>A on the plus strand (C>T on the coding strand, the complement: COLQ is on the minus strand). VCF-style: chr3-15458199-G-A. GRCh37 (hg19) VCF-style: chr3-15499706-G-A.
Other names: c.911C>T, p.Pro304Leu (NM_080538.2); c.839C>T, p.Pro280Leu (NM_080539.4); short protein forms P280L, P304L, P314L.
Identifiers: ClinVar variation 1314484 (VCV001314484.4), dbSNP rs370201862, ClinGen allele CA70602964.
Genomic context (GRCh38, chr3:15,458,199, plus strand): 5'-GAGGTCCTCACGGATAACCACCCCAGACTTCTCCCAGAAAGCCTTACCACAGGAACTCGC[G>A]GGGAACTGGGCCCATACACAGATTCCCCGTAGGAAGGGTTATTCACATTCATAGTGGGTC-3'
Protein context (NP_005668.2, residues 304-324): YGESVYGPSS[Pro314Leu]RVPVIFVVNN